The following is an entry in ClinVar:

ClinVar aggregate classification (germline): Likely pathogenic (1 of 4 stars; one submission).

Conditions:
Cohen syndrome (COH1). Also called: Cutis verticis gyrata, retinitis pigmentosa, and sensorineural deafness; PEPPER SYNDROME. Identifiers: Orphanet 193, MedGen C0265223, MONDO:0008999, OMIM 216550.

Submission:

Labcorp Genetics (formerly Invitae), Labcorp
Classification: Likely pathogenic for Cohen syndrome. Last evaluated: 2023-08-21. Review status: criteria provided, single submitter. Criteria: Invitae Variant Classification Sherloc (09022015). Collection method: clinical testing. Allele origin: germline.
Comment: This variant results in the deletion of part of exon 14 (c.1844-2138_1994del) of the VPS13B gene. It is expected to disrupt RNA splicing. Variants that disrupt the donor or acceptor splice site typically lead to a loss of protein function (PMID: 16199547), and loss-of-function variants in VPS13B are known to be pathogenic (PMID: 15141358, 16648375, 20461111). This variant has not been reported in the literature in individuals affected with VPS13B-related conditions. In summary, the currently available evidence indicates that the variant is pathogenic, but additional data are needed to prove that conclusively. Therefore, this variant has been classified as Likely Pathogenic.

Literature cited by the submitters: PubMed 16199547; PubMed 15141358; PubMed 16648375; PubMed 20461111.

NC_000008.10:g.(?_100157931)_(100160219_?)del

Gene: VPS13B (vacuolar protein sorting 13 homolog B; plus strand). Cytogenetic location: 8q22.2.
Variant type: Deletion.
Identifiers: ClinVar variation 2426406 (VCV002426406.4).